The following is an entry in ClinVar:

ClinVar aggregate classification (germline): Uncertain significance (1 of 4 stars; one submission).

Submission:

Labcorp Genetics (formerly Invitae), Labcorp
Classification: Uncertain significance. Last evaluated: 2022-01-11. Review status: criteria provided, single submitter. Criteria: Invitae Variant Classification Sherloc (09022015). Collection method: clinical testing. Allele origin: germline.
Comment: In summary, the available evidence is currently insufficient to determine the role of this variant in disease. Therefore, it has been classified as a Variant of Uncertain Significance. Algorithms developed to predict the effect of missense changes on protein structure and function (SIFT, PolyPhen-2, Align-GVGD) all suggest that this variant is likely to be tolerated. This variant has not been reported in the literature in individuals affected with ELP1-related conditions. This variant is not present in population databases (gnomAD no frequency). This sequence change replaces valine, which is neutral and non-polar, with leucine, which is neutral and non-polar, at codon 556 of the ELP1 protein (p.Val556Leu).

NM_003640.5(ELP1):c.1666G>C (p.Val556Leu)

Gene: ELP1 (elongator acetyltransferase complex subunit 1; minus strand). Cytogenetic location: 9q31.3.
Variant type: single nucleotide variant.
Coding change: c.1666G>C on transcript NM_003640.5 (MANE Select); coding-DNA position 1666, G replaced by C.
Protein change: p.Val556Leu; replaces valine 556 with leucine.
Molecular consequence: missense variant.
Genome position (GRCh38, 1-based): chr9:108,903,647, C>G on the plus strand (G>C on the coding strand, the complement: ELP1 is on the minus strand). VCF-style: chr9-108903647-C-G. GRCh37 (hg19) VCF-style: chr9-111665927-C-G.
Other names: c.1324G>C, p.Val442Leu (NM_001318360.2); c.619G>C, p.Val207Leu (NM_001330749.2); short protein forms V442L, V556L, V207L.
Identifiers: ClinVar variation 2140504 (VCV002140504.4), dbSNP rs765859547, ClinGen allele CA374426084.
Genomic context (GRCh38, chr9:108,903,647, plus strand): 5'-CATCAGCCAGCTGTAATACTACTGACTTGGTCTTGGAATTGCAACATAGACTGATTATGA[C>G]CCCATCCACCGCTGCAGATGAACTGACAAAAAAAAGGAGAAGGGAGTGTAAACAGACCAT-3'
Protein context (NP_003631.2, residues 546-566): NVSSSAAVDG[Val556Leu]IISLCCNSKT